The following is an entry in ClinVar:

ClinVar aggregate classification (germline): Uncertain significance. Review status: criteria provided, multiple submitters, no conflicts (2 of 4 stars). 2 submissions from 2 submitters: Uncertain significance (2). Last evaluated 2024-02-26.

Conditions:
Charcot-Marie-Tooth disease axonal type 2O. Also called: CHARCOT-MARIE-TOOTH NEUROPATHY, AXONAL, TYPE 2O; CHARCOT-MARIE-TOOTH DISEASE, AXONAL, AUTOSOMAL DOMINANT, TYPE 2O; Charcot-Marie-Tooth Neuropathy Type 2O; Charcot-Marie-Tooth disease, axonal, type 20. Identifiers: Orphanet 284232, MedGen C3280220, MONDO:0013644, OMIM 614228.
Cortical dysplasia, complex, with other brain malformations 13. Also called: Intellectual disability, autosomal dominant 13. Identifiers: MedGen C3281202, MONDO:0013805, OMIM 614563.

Submissions (2):

Labcorp Genetics (formerly Invitae), Labcorp
Classification: Uncertain significance for Charcot-Marie-Tooth disease axonal type 2O. Last evaluated: 2024-02-26. Review status: criteria provided, single submitter. Criteria: Invitae Variant Classification Sherloc (09022015). Collection method: clinical testing. Allele origin: germline.
Comment: This sequence change replaces proline, which is neutral and non-polar, with alanine, which is neutral and non-polar, at codon 3647 of the DYNC1H1 protein (p.Pro3647Ala). This variant is not present in population databases (gnomAD no frequency). This variant has not been reported in the literature in individuals affected with DYNC1H1-related conditions. ClinVar contains an entry for this variant (Variation ID: 1240405). Advanced modeling of protein sequence and biophysical properties (such as structural, functional, and spatial information, amino acid conservation, physicochemical variation, residue mobility, and thermodynamic stability) has been performed at Invitae for this missense variant, however the output from this modeling did not meet the statistical confidence thresholds required to predict the impact of this variant on DYNC1H1 protein function. In summary, the available evidence is currently insufficient to determine the role of this variant in disease. Therefore, it has been classified as a Variant of Uncertain Significance.

HudsonAlpha Institute for Biotechnology
Classification: Uncertain significance for Cortical dysplasia, complex, with other brain malformations 13. Last evaluated: 2021-06-24. Review status: criteria provided, single submitter. Criteria: ACMG Guidelines, 2015. Collection method: research. Allele origin: maternal. Observed: 2 variant alleles. Study: HudsonAlpha-AGHI-WGS.
Comment: ACMG codes:PM2, PP3

NM_001376.5(DYNC1H1):c.10939C>G (p.Pro3647Ala)

Gene: DYNC1H1 (dynein cytoplasmic 1 heavy chain 1; plus strand). Cytogenetic location: 14q32.31.
Variant type: single nucleotide variant.
Coding change: c.10939C>G on transcript NM_001376.5 (MANE Select); coding-DNA position 10939, C replaced by G.
Protein change: p.Pro3647Ala; replaces proline 3647 with alanine.
Molecular consequence: missense variant.
Genome position (GRCh38, 1-based): chr14:102,038,490, C>G. VCF-style: chr14-102038490-C-G. GRCh37 (hg19) VCF-style: chr14-102504827-C-G.
Other names: short protein forms P3647A.
Identifiers: ClinVar variation 1240405 (VCV001240405.4), dbSNP rs2152594696, ClinGen allele CA391031365.